The following is an entry in ClinVar:

ClinVar aggregate classification (germline): Uncertain significance (1 of 4 stars; one submission).

Conditions:
PLXNA4-related disorder. Also called: PLXNA4-related condition.

Submission:

PreventionGenetics, part of Exact Sciences
Classification: Uncertain significance for PLXNA4-related condition. Last evaluated: 2025-03-25. Review status: criteria provided, single submitter. Criteria: ACMG Guidelines, 2015. Collection method: clinical testing. Allele origin: germline.
Comment: The PLXNA4 c.5305G>T variant is predicted to result in the amino acid substitution p.Ala1769Ser. To our knowledge, this variant has not been reported in the literature or in a large population database (gnomAD), indicating this variant is rare. At this time, the clinical significance of this variant is uncertain due to the absence of conclusive functional and genetic evidence.

NM_020911.2(PLXNA4):c.5305G>T (p.Ala1769Ser)

Gene: PLXNA4 (plexin A4; minus strand). Cytogenetic location: 7q32.3.
Variant type: single nucleotide variant.
Coding change: c.5305G>T on transcript NM_020911.2 (MANE Select); coding-DNA position 5305, G replaced by T.
Protein change: p.Ala1769Ser; replaces alanine 1769 with serine.
Molecular consequence: missense variant.
Genome position (GRCh38, 1-based): chr7:132,140,732, C>A on the plus strand (G>T on the coding strand, the complement: PLXNA4 is on the minus strand). VCF-style: chr7-132140732-C-A. GRCh37 (hg19) VCF-style: chr7-131825491-C-A.
Other names: c.5305G>T, p.Ala1769Ser (NM_001393897.1); short protein forms A1769S.
Identifiers: ClinVar variation 5000268 (VCV005000268.1).